The following is an entry in ClinVar:

ClinVar aggregate classification (germline): Uncertain significance (1 of 4 stars; one submission).

Allele frequency attached by ClinVar (database versions not stated): gnomAD exomes below 0.00001.
gnomAD v4.1: 5 of 1,596,152 alleles (0.00031%); highest among the groups gnomAD compares: East Asian, 0.0045%; no homozygotes.

Submission:

Labcorp Genetics (formerly Invitae), Labcorp
Classification: Uncertain significance. Last evaluated: 2021-07-17. Review status: criteria provided, single submitter. Criteria: Invitae Variant Classification Sherloc (09022015). Collection method: clinical testing. Allele origin: germline.
Comment: Nucleotide substitutions within the consensus splice site are a relatively common cause of aberrant splicing (PMID: 17576681, 9536098). Algorithms developed to predict the effect of sequence changes on RNA splicing suggest that this variant is not likely to affect RNA splicing. In summary, the available evidence is currently insufficient to determine the role of this variant in disease. Therefore, it has been classified as a Variant of Uncertain Significance. This variant is not present in population databases (ExAC no frequency). This variant has not been reported in the literature in individuals affected with FKBP10-related conditions. This sequence change falls in intron 6 of the FKBP10 gene. It does not directly change the encoded amino acid sequence of the FKBP10 protein. It affects a nucleotide within the consensus splice site of the intron.

Literature cited by the submitters: PubMed 17576681; PubMed 9536098.

NM_021939.4(FKBP10):c.1063+4G>A

Gene: FKBP10 (FKBP prolyl isomerase 10; plus strand). Cytogenetic location: 17q21.2.
Variant type: single nucleotide variant.
Coding change: c.1063+4G>A on transcript NM_021939.4 (MANE Select); 4 bases into the intron after coding-DNA position 1063, G replaced by A.
Molecular consequence: intron variant.
Genome position (GRCh38, 1-based): chr17:41,819,679, G>A. VCF-style: chr17-41819679-G-A. GRCh37 (hg19) VCF-style: chr17-39975931-G-A.
Identifiers: ClinVar variation 1498810 (VCV001498810.6), dbSNP rs1555616697, ClinGen allele CA626025140.
Genomic context (GRCh38, chr17:41,819,679, plus strand): 5'-GGGAACGCCGGAGAATTACCATCCCCCCGCACCTCGCCTATGGGGAGAATGGAACTGGTA[G>A]GGGCGTTCCCCAGCCACCACCTCAGCTCCTCCTCCGAACTGCCCATTGTGTCTAGGCCAC-3'